The following is an entry in ClinVar:

NM_002471.4(MYH6):c.2702A>G (p.Asn901Ser)

Gene: MYH6 (myosin heavy chain 6; minus strand). Cytogenetic location: 14q11.2.
Variant type: single nucleotide variant.
Coding change: c.2702A>G on transcript NM_002471.4 (MANE Select); coding-DNA position 2702, A replaced by G.
Protein change: p.Asn901Ser; replaces asparagine 901 with serine.
Molecular consequence: missense variant.
Genome position (GRCh38, 1-based): chr14:23,393,892, T>C on the plus strand (A>G on the coding strand, the complement: MYH6 is on the minus strand). VCF-style: chr14-23393892-T-C. GRCh37 (hg19) VCF-style: chr14-23863101-T-C.
Other names: c.2702A>G (NM_002471.3); short protein forms N901S.
Identifiers: ClinVar variation 1175153 (VCV001175153.9), dbSNP rs1891315952, ClinGen allele CA389013382.

ClinVar aggregate classification (germline): Uncertain significance. Review status: criteria provided, single submitter (1 of 4 stars). 5 submissions from 5 submitters: Uncertain significance (1). 4 of the submissions do not count toward it. Last evaluated 2023-05-22.

Conditions:
Cardiovascular phenotype. Identifiers: MedGen CN230736.

Allele frequency attached by ClinVar (database versions not stated): TOPMed below 0.00001.
gnomAD v4.1: 7 of 1,614,146 alleles (0.00043%); highest among the groups gnomAD compares: Admixed American, 0.0017%; no homozygotes.

Submissions (5):

Ambry Genetics
Classification: Uncertain significance for Cardiovascular phenotype. Last evaluated: 2023-05-22. Review status: criteria provided, single submitter. Criteria: Ambry Variant Classification Scheme 2023. Collection method: clinical testing. Allele origin: germline.
Comment: The p.N901S variant (also known as c.2702A>G), located in coding exon 20 of the MYH6 gene, results from an A to G substitution at nucleotide position 2702. The asparagine at codon 901 is replaced by serine, an amino acid with highly similar properties. This amino acid position is conserved. In addition, this alteration is predicted to be tolerated by in silico analysis. Since supporting evidence is limited at this time, the clinical significance of this alteration remains unclear.

Clinical Genetics, Academic Medical Center
Classification: Likely benign. Review status: no assertion criteria provided. Collection method: clinical testing. Allele origin: germline. Affected: yes. Study: VKGL Data-share Consensus. Not counted in ClinVar's aggregate classification.

Diagnostic Laboratory, Department of Genetics, University Medical Center Groningen
Classification: Likely benign. Review status: no assertion criteria provided. Collection method: clinical testing. Allele origin: germline. Affected: yes. Study: VKGL Data-share Consensus. Not counted in ClinVar's aggregate classification.

Genome Diagnostics Laboratory, University Medical Center Utrecht
Classification: Likely benign. Review status: no assertion criteria provided. Collection method: clinical testing. Allele origin: germline. Affected: yes. Study: VKGL Data-share Consensus. Not counted in ClinVar's aggregate classification.

Joint Genome Diagnostic Labs from Nijmegen and Maastricht, Radboudumc and MUMC+
Classification: Likely benign. Review status: no assertion criteria provided. Collection method: clinical testing. Allele origin: germline. Affected: yes. Study: VKGL Data-share Consensus. Not counted in ClinVar's aggregate classification.